The following is an entry in ClinVar:

NM_000097.7(CPOX):c.515G>T (p.Gly172Val)

Gene: CPOX (coproporphyrinogen oxidase; minus strand). Cytogenetic location: 3q11.2.
Variant type: single nucleotide variant.
Coding change: c.515G>T on transcript NM_000097.7 (MANE Select); coding-DNA position 515, G replaced by T.
Protein change: p.Gly172Val; replaces glycine 172 with valine.
Molecular consequence: missense variant.
Genome position (GRCh38, 1-based): chr3:98,592,990, C>A on the plus strand (G>T on the coding strand, the complement: CPOX is on the minus strand). VCF-style: chr3-98592990-C-A. GRCh37 (hg19) VCF-style: chr3-98311834-C-A.
Other names: short protein forms G172V.
Identifiers: ClinVar variation 3642359 (VCV003642359.2).
Genomic context (GRCh38, chr3:98,592,990, plus strand): 5'-CAGGGGCCGGCCTCCTTACCTTCCTTCCTCTCCCACCGGTCCACAGAAAAGTTGGCGCCC[C>A]CGTCTACCTGTGCCAGAGCCTGGCACACCTGGGCCTGGGTCTCCAGAATCAGCAGCTCCA-3'
Protein context (NP_000088.3, residues 162-182): QVCQALAQVD[Gly172Val]GANFSVDRWE

ClinVar aggregate classification (germline): Uncertain significance (1 of 4 stars; one submission).

Submission:

Labcorp Genetics (formerly Invitae), Labcorp
Classification: Uncertain significance. Last evaluated: 2024-02-21. Review status: criteria provided, single submitter. Criteria: Invitae Variant Classification Sherloc (09022015). Collection method: clinical testing. Allele origin: germline.
Comment: This sequence change replaces glycine, which is neutral and non-polar, with valine, which is neutral and non-polar, at codon 172 of the CPOX protein (p.Gly172Val). This variant is not present in population databases (gnomAD no frequency). This variant has not been reported in the literature in individuals affected with CPOX-related conditions. Advanced modeling of protein sequence and biophysical properties (such as structural, functional, and spatial information, amino acid conservation, physicochemical variation, residue mobility, and thermodynamic stability) performed at Invitae indicates that this missense variant is not expected to disrupt CPOX protein function with a negative predictive value of 80%. In summary, the available evidence is currently insufficient to determine the role of this variant in disease. Therefore, it has been classified as a Variant of Uncertain Significance.